The following is an entry in ClinVar:

ClinVar aggregate classification (germline): Uncertain significance. Review status: criteria provided, single submitter (1 of 4 stars). 2 submissions from 2 submitters: Uncertain significance (1). 1 of the submissions does not count toward it. Last evaluated 2022-05-08.

Conditions:
LRP2-related disorder. Also called: LRP2-related condition.

Allele frequency attached by ClinVar (database versions not stated): TOPMed below 0.00001; gnomAD 0.00001; gnomAD exomes 0.00001; ExAC 0.00002.
gnomAD v4.1: 13 of 1,609,062 alleles (0.00081%); highest among the groups gnomAD compares: South Asian, 0.014%; no homozygotes.

Submissions (2):

Labcorp Genetics (formerly Invitae), Labcorp
Classification: Uncertain significance. Last evaluated: 2022-05-08. Review status: criteria provided, single submitter. Criteria: Invitae Variant Classification Sherloc (09022015). Collection method: clinical testing. Allele origin: germline.
Comment: This sequence change falls in intron 13 of the LRP2 gene. It does not directly change the encoded amino acid sequence of the LRP2 protein. It affects a nucleotide within the consensus splice site. This variant is present in population databases (rs752242118, gnomAD 0.007%). This variant has not been reported in the literature in individuals affected with LRP2-related conditions. Variants that disrupt the consensus splice site are a relatively common cause of aberrant splicing (PMID: 17576681, 9536098). Algorithms developed to predict the effect of sequence changes on RNA splicing suggest that this variant is not likely to affect RNA splicing. In summary, the available evidence is currently insufficient to determine the role of this variant in disease. Therefore, it has been classified as a Variant of Uncertain Significance.

PreventionGenetics, part of Exact Sciences
Classification: Likely benign for LRP2-related condition. Last evaluated: 2023-02-01. Review status: no assertion criteria provided. Collection method: clinical testing. Allele origin: germline. Not counted in ClinVar's aggregate classification.
Comment: This variant is classified as likely benign based on ACMG/AMP sequence variant interpretation guidelines (Richards et al. 2015 PMID: 25741868, with internal and published modifications).

Literature cited by the submitters: PubMed 17576681 (cited by Labcorp Genetics (formerly Invitae), Labcorp); PubMed 9536098 (cited by Labcorp Genetics (formerly Invitae), Labcorp).

NM_004525.3(LRP2):c.1773-3C>T

Gene: LRP2 (LDL receptor related protein 2; minus strand). Cytogenetic location: 2q31.1.
Variant type: single nucleotide variant.
Coding change: c.1773-3C>T on transcript NM_004525.3 (MANE Select); 3 bases into the intron before coding-DNA position 1773, C replaced by T.
Molecular consequence: intron variant.
Genome position (GRCh38, 1-based): chr2:169,275,241, G>A on the plus strand (C>T on the coding strand, the complement: LRP2 is on the minus strand). VCF-style: chr2-169275241-G-A. GRCh37 (hg19) VCF-style: chr2-170131751-G-A.
Other names: c.1773-3C>T (NM_004525.2).
Identifiers: ClinVar variation 1940810 (VCV001940810.4), dbSNP rs752242118, ClinGen allele CA1955465.